The following is an entry in ClinVar:

ClinVar aggregate classification (germline): Uncertain significance (1 of 4 stars; one submission).

Allele frequency attached by ClinVar (database versions not stated): gnomAD exomes below 0.00001; TOPMed below 0.00001.
gnomAD v4.1: 1 of 1,613,388 alleles (0.000062%); highest among the groups gnomAD compares: Admixed American, 0.0017%; no homozygotes.

Submission:

Labcorp Genetics (formerly Invitae), Labcorp
Classification: Uncertain significance. Last evaluated: 2023-04-25. Review status: criteria provided, single submitter. Criteria: Invitae Variant Classification Sherloc (09022015). Collection method: clinical testing. Allele origin: germline.
Comment: In summary, the available evidence is currently insufficient to determine the role of this variant in disease. Therefore, it has been classified as a Variant of Uncertain Significance. Algorithms developed to predict the effect of missense changes on protein structure and function output the following: SIFT: "Not Available"; PolyPhen-2: "Not Available"; Align-GVGD: "Not Available". The isoleucine amino acid residue is found in multiple mammalian species, which suggests that this missense change does not adversely affect protein function. This variant has not been reported in the literature in individuals affected with COL10A1-related conditions. This variant is present in population databases (no rsID available, gnomAD 0.003%). This sequence change replaces threonine, which is neutral and polar, with isoleucine, which is neutral and non-polar, at codon 61 of the COL10A1 protein (p.Thr61Ile).

NM_000493.4(COL10A1):c.182C>T (p.Thr61Ile)

Genes: COL10A1 (collagen type X alpha 1 chain; minus strand), NT5DC1 (5'-nucleotidase domain containing 1; plus strand). Cytogenetic location: 6q22.1.
Variant type: single nucleotide variant.
Coding change: c.182C>T on transcript NM_000493.4 (MANE Select); coding-DNA position 182, C replaced by T.
Protein change: p.Thr61Ile; replaces threonine 61 with isoleucine.
Molecular consequence: missense variant. On other transcripts: intron variant (1).
Genome position (GRCh38, 1-based): chr6:116,121,934, G>A on the plus strand (C>T on the coding strand, the complement: COL10A1 is on the minus strand). VCF-style: chr6-116121934-G-A. GRCh37 (hg19) VCF-style: chr6-116443097-G-A.
Other names: c.182C>T, p.Thr61Ile (NM_001424106.1, NM_001424107.1); c.529+3989G>A (NM_152729.3); short protein forms T61I.
Identifiers: ClinVar variation 2985624 (VCV002985624.3), dbSNP rs1229890315, ClinGen allele CA365397140.